The following is an entry in ClinVar:

NM_015425.6(POLR1A):c.4637C>T (p.Ser1546Phe)

Gene: POLR1A (RNA polymerase I subunit A; minus strand). Cytogenetic location: 2p11.2.
Variant type: single nucleotide variant.
Coding change: c.4637C>T on transcript NM_015425.6 (MANE Select); coding-DNA position 4637, C replaced by T.
Protein change: p.Ser1546Phe; replaces serine 1546 with phenylalanine.
Molecular consequence: missense variant.
Genome position (GRCh38, 1-based): chr2:86,030,338, G>A on the plus strand (C>T on the coding strand, the complement: POLR1A is on the minus strand). VCF-style: chr2-86030338-G-A. GRCh37 (hg19) VCF-style: chr2-86257461-G-A.
Other names: short protein forms S1546F.
Identifiers: ClinVar variation 2123333 (VCV002123333.4), dbSNP rs1386259223, ClinGen allele CA347545533.

ClinVar aggregate classification (germline): Uncertain significance (1 of 4 stars; one submission).

Submission:

Labcorp Genetics (formerly Invitae), Labcorp
Classification: Uncertain significance. Last evaluated: 2022-08-26. Review status: criteria provided, single submitter. Criteria: Invitae Variant Classification Sherloc (09022015). Collection method: clinical testing. Allele origin: germline.
Comment: This variant has not been reported in the literature in individuals affected with POLR1A-related conditions. In summary, the available evidence is currently insufficient to determine the role of this variant in disease. Therefore, it has been classified as a Variant of Uncertain Significance. Algorithms developed to predict the effect of missense changes on protein structure and function are either unavailable or do not agree on the potential impact of this missense change (SIFT: "Not Available"; PolyPhen-2: "Probably Damaging"; Align-GVGD: "Not Available"). This variant is not present in population databases (gnomAD no frequency). This sequence change replaces serine, which is neutral and polar, with phenylalanine, which is neutral and non-polar, at codon 1546 of the POLR1A protein (p.Ser1546Phe).